The following is an entry in ClinVar:

NM_173660.5(DOK7):c.782G>A (p.Arg261His)

Gene: DOK7 (docking protein 7; plus strand). Cytogenetic location: 4p16.3.
Variant type: single nucleotide variant.
Coding change: c.782G>A on transcript NM_173660.5 (MANE Select); coding-DNA position 782, G replaced by A.
Protein change: p.Arg261His; replaces arginine 261 with histidine.
Molecular consequence: missense variant. On other transcripts: 3 prime UTR variant (1), 5 prime UTR variant (1).
Genome position (GRCh38, 1-based): chr4:3,492,768, G>A. VCF-style: chr4-3492768-G-A. GRCh37 (hg19) VCF-style: chr4-3494495-G-A.
Other names: c.*3G>A (NM_001164673.2); c.-149G>A (NM_001256896.2); c.782G>A, p.Arg261His (NM_001301071.2); c.350G>A, p.Arg117His (NM_001363811.2); short protein forms R261H, R117H.
Identifiers: ClinVar variation 128915 (VCV000128915.20), dbSNP rs16844460, ClinGen allele CA152609.
Genomic context (GRCh38, chr4:3,492,768, plus strand): 5'-GCCCAGACCCCTGTACCCCCACAACTGCCTTGGCTTCCTGCTCTGTCTCAGGGGATGACC[G>A]CAGCCTGTCCAGCTCATCCTCAGAGGCCAGTCACTTGGACGTCAGCGCCAGCAGCCGGCT-3'
Protein context (NP_775931.3, residues 251-271): AGRPGSGGDD[Arg261His]SLSSSSSEAS

ClinVar aggregate classification (germline): Benign/Likely benign. Review status: criteria provided, multiple submitters, no conflicts (2 of 4 stars). 7 submissions from 7 submitters: Benign (5); Likely benign (1). 1 of the submissions does not count toward it. Last evaluated 2026-01-27.

Conditions:
Fetal akinesia deformation sequence 3. Identifiers: MedGen C4760599, MONDO:0100103, OMIM 618389.
Congenital myasthenic syndrome 10. Also called: Myasthenia, limb-girdle, familial. Identifiers: Orphanet 590, MedGen C1850792, MONDO:0009690, OMIM 254300.
Fetal akinesia deformation sequence 1 (FADS1). Also called: Fetal akinesia sequence; Pena-Shokeir syndrome type I. Identifiers: Orphanet 994, MedGen C1276035, MONDO:0100101, OMIM 208150, HP:0001989.

Allele frequency attached by ClinVar (database versions not stated): gnomAD exomes 0.00268; ExAC 0.00341; 1000 Genomes Project 30x 0.00968; gnomAD 0.00994 and 0.01070; 1000 Genomes Project 0.00998; TOPMed 0.01169; ESP Exome Variant Server 0.01223.
gnomAD v4.1: 3,036 of 1,612,562 alleles (0.19%); highest among the groups gnomAD compares: African/African-American, 3.7%; 55 homozygotes.

Submissions (7):

Labcorp Genetics (formerly Invitae), Labcorp
Classification: Benign for Congenital myasthenic syndrome 10; Fetal akinesia deformation sequence 1. Last evaluated: 2026-01-27. Review status: criteria provided, single submitter. Criteria: Invitae Variant Classification Sherloc (09022015). Collection method: clinical testing. Allele origin: germline.

Fulgent Genetics
Classification: Likely benign for Congenital myasthenic syndrome 10; Fetal akinesia deformation sequence 3. Last evaluated: 2021-07-30. Review status: criteria provided, single submitter. Criteria: ACMG Guidelines, 2015. Collection method: clinical testing. Allele origin: unknown.

Athena Diagnostics
Classification: Benign. Last evaluated: 2018-10-25. Review status: criteria provided, single submitter. Criteria: Athena Diagnostics Criteria. Collection method: clinical testing. Allele origin: germline.

GeneDx
Classification: Benign. Last evaluated: 2017-11-25. Review status: criteria provided, single submitter. Criteria: GeneDx Variant Classification (06012015). Collection method: clinical testing. Allele origin: germline. Affected: yes.
Comment: This variant is considered likely benign or benign based on one or more of the following criteria: it is a conservative change, it occurs at a poorly conserved position in the protein, it is predicted to be benign by multiple in silico algorithms, and/or has population frequency not consistent with disease.

Breakthrough Genomics
Classification: Benign. Review status: criteria provided, single submitter. Criteria: ACMG Guidelines, 2015. Collection method: not provided. Allele origin: germline. Inheritance: Autosomal recessive inheritance. Affected: yes.

PreventionGenetics, part of Exact Sciences
Classification: Benign. Review status: criteria provided, single submitter. Criteria: ACMG Guidelines, 2015. Collection method: clinical testing. Allele origin: germline.

Genetic Services Laboratory, University of Chicago
Classification: Likely benign for AllHighlyPenetrant. Review status: no assertion criteria provided. Collection method: clinical testing. Allele origin: germline. Inheritance: Autosomal recessive inheritance. Not counted in ClinVar's aggregate classification.
Comment: Likely benign based on allele frequency in 1000 Genomes Project or ESP global frequency and its presence in a patient with a rare or unrelated disease phenotype. NOT Sanger confirmed.

Literature cited by the submitters: PubMed 22661499 (cited by Athena Diagnostics).